The following is an entry in ClinVar:

ClinVar aggregate classification (germline): Uncertain significance (1 of 4 stars; one submission).

Conditions:
Hereditary spastic paraplegia 11. Also called: Spastic Paraplegia 11; Nakamura Osame syndrome; Autosomal recessive hereditary spastic paraplegia, mental impairment, and thin corpus callosum; SPASTIC PARAPLEGIA, AUTOSOMAL RECESSIVE, COMPLICATED, WITH THIN CORPUS CALLOSUM; SPASTIC PARAPLEGIA, AUTOSOMAL RECESSIVE, WITH MENTAL IMPAIRMENT AND THIN CORPUS CALLOSUM; Spastic paraplegia, mental retardation and thin corpus callosum. Identifiers: Orphanet 2822, MedGen C1858479, MONDO:0011445, OMIM 604360.

Allele frequency attached by ClinVar (database versions not stated): gnomAD exomes below 0.00001.
gnomAD v4.1: 2 of 1,614,120 alleles (0.00012%); highest among the groups gnomAD compares: Non-Finnish European, 0.00017%; no homozygotes.

Submission:

Labcorp Genetics (formerly Invitae), Labcorp
Classification: Uncertain significance for Hereditary spastic paraplegia 11. Last evaluated: 2021-07-31. Review status: criteria provided, single submitter. Criteria: Invitae Variant Classification Sherloc (09022015). Collection method: clinical testing. Allele origin: germline.
Comment: This sequence change replaces serine with isoleucine at codon 1396 of the SPG11 protein (p.Ser1396Ile). The serine residue is highly conserved and there is a large physicochemical difference between serine and isoleucine. This variant is not present in population databases (ExAC no frequency). This variant has not been reported in the literature in individuals affected with SPG11-related conditions. Algorithms developed to predict the effect of missense changes on protein structure and function are either unavailable or do not agree on the potential impact of this missense change (SIFT: "Deleterious"; PolyPhen-2: "Possibly Damaging"; Align-GVGD: "Class C15"). In summary, the available evidence is currently insufficient to determine the role of this variant in disease. Therefore, it has been classified as a Variant of Uncertain Significance.

NM_025137.4(SPG11):c.4187G>T (p.Ser1396Ile)

Genes: SPG11 (SPG11 vesicle trafficking associated, spatacsin; minus strand), LOC130056973 (ATAC-STARR-seq lymphoblastoid active region 9341; plus strand). Cytogenetic location: 15q21.1.
Variant type: single nucleotide variant.
Coding change: c.4187G>T on transcript NM_025137.4 (MANE Select); coding-DNA position 4187, G replaced by T.
Protein change: p.Ser1396Ile; replaces serine 1396 with isoleucine.
Molecular consequence: missense variant.
Genome position (GRCh38, 1-based): chr15:44,596,330, C>A on the plus strand (G>T on the coding strand, the complement: SPG11 is on the minus strand). VCF-style: chr15-44596330-C-A. GRCh37 (hg19) VCF-style: chr15-44888528-C-A.
Other names: c.4187G>T, p.Ser1396Ile (NM_001160227.2); short protein forms S1396I.
Identifiers: ClinVar variation 1467189 (VCV001467189.3), dbSNP rs1390507027, ClinGen allele CA392228586.
Genomic context (GRCh38, chr15:44,596,330, plus strand): 5'-GAGGTGGGCACTGAGGGCAAGTTCTCAAAAGCCAGCCTTAAGTGGTCTTGAATGACTGGG[C>A]TGAAGTACTGGATAAGGGATTTCACCTAGAAGGCATATCAGATGATTAAACAGAAACCCA-3'
Protein context (NP_079413.3, residues 1386-1406): AEVKSLIQYF[Ser1396Ile]PVIQDHLRLA